The following is an entry in ClinVar:

ClinVar aggregate classification (germline): Uncertain significance (1 of 4 stars; one submission).

Submission:

GeneDx
Classification: Uncertain significance. Last evaluated: 2025-01-23. Review status: criteria provided, single submitter. Criteria: GeneDx Variant Classification Process June 2021. Collection method: clinical testing. Allele origin: germline. Affected: yes.
Comment: Not observed at significant frequency in large population cohorts (gnomAD); In silico analysis indicates that this missense variant does not alter protein structure/function; Has not been previously published as pathogenic or benign to our knowledge

NM_001199799.2(ILDR1):c.782T>G (p.Leu261Trp)

Gene: ILDR1 (immunoglobulin like domain containing receptor 1; minus strand). Cytogenetic location: 3q13.33.
Variant type: single nucleotide variant.
Coding change: c.782T>G on transcript NM_001199799.2 (MANE Select); coding-DNA position 782, T replaced by G.
Protein change: p.Leu261Trp; replaces leucine 261 with tryptophan.
Molecular consequence: missense variant.
Genome position (GRCh38, 1-based): chr3:121,993,967, A>C on the plus strand (T>G on the coding strand, the complement: ILDR1 is on the minus strand). VCF-style: chr3-121993967-A-C. GRCh37 (hg19) VCF-style: chr3-121712814-A-C.
Other names: c.515T>G, p.Leu172Trp (NM_001199800.2); c.650T>G, p.Leu217Trp (NM_175924.4); short protein forms L172W, L217W, L261W.
Identifiers: ClinVar variation 4071752 (VCV004071752.1).
Genomic context (GRCh38, chr3:121,993,967, plus strand): 5'-ATGGGAGGCTGATTGGTGGTCTGGGTCATTGGCATCTGCGGGAGGCTGGACGGCAGGGAC[A>C]AATCTGAATGGAAACAAGGACAGGACAATAGAACAAATGGCCCAAAACATACACCTCAGA-3'
Protein context (NP_001186728.1, residues 251-271): YPMHPLLQRD[Leu261Trp]SLPSSLPQMP